The following is an entry in ClinVar:

NM_000152.5(GAA):c.521A>G (p.Glu174Gly)

Gene: GAA (alpha glucosidase; plus strand). Cytogenetic location: 17q25.3.
Variant type: single nucleotide variant.
Coding change: c.521A>G on transcript NM_000152.5 (MANE Select); coding-DNA position 521, A replaced by G.
Protein change: p.Glu174Gly; replaces glutamic acid 174 with glycine.
Molecular consequence: missense variant.
Genome position (GRCh38, 1-based): chr17:80,105,107, A>G. VCF-style: chr17-80105107-A-G. GRCh37 (hg19) VCF-style: chr17-78078906-A-G.
Other names: c.521A>G, p.Glu174Gly (NM_001079803.3, NM_001079804.3, NM_001406741.1 and 1 more transcripts); short protein forms E174G.
Identifiers: ClinVar variation 4525899 (VCV004525899.2).
Genomic context (GRCh38, chr17:80,105,107, plus strand): 5'-GTACCACCCCCACCTTCTTCCCCAAGGACATCCTGACCCTGCGGCTGGACGTGATGATGG[A>G]GACTGAGAACCGCCTCCACTTCACGGTGGGCAGGGCAGGGGCGGGGGCGGCGGCCAGGGC-3'
Protein context (NP_000143.2, residues 164-184): ILTLRLDVMM[Glu174Gly]TENRLHFTIK

ClinVar aggregate classification (germline): Uncertain significance. Review status: criteria provided, multiple submitters, no conflicts (2 of 4 stars). 2 submissions from 2 submitters: Uncertain significance (2). Last evaluated 2026-07-01.

Conditions:
Glycogen storage disease, type II (IOPD). Also called: CARDIOMEGALIA GLYCOGENICA DIFFUSA; GLYCOGENOSIS, GENERALIZED, CARDIAC FORM; GSD II; Glycogen storage disease type 2; Acid maltase deficiency disease; Aglucosidase alfa. Identifiers: Orphanet 365, MedGen C0017921, MONDO:0009290, OMIM 232300.

Submissions (2):

Genomenon, Inc
Classification: Uncertain significance for Glycogen storage disease, type II. Last evaluated: 2026-07-01. Review status: criteria provided, single submitter. Criteria: Genomenon Sequence Variant Interpretation Standards - Updated. Collection method: curation. Allele origin: germline. Affected: no.
Comment: GAA p.Glu174Gly (c.521A>G) is a missense variant that changes the amino acid at codon 174 from Glutamic acid to Glycine. This variant has been reported in the published literature (PMID:39227307;38186848). It is absent or not present at a significant frequency in gnomAD. In conclusion, we classify GAA p.Glu174Gly (c.521A>G) as a variant of uncertain significance.

Women's Health and Genetics/Laboratory Corporation of America, LabCorp
Classification: Uncertain significance. Last evaluated: 2025-07-15. Review status: criteria provided, single submitter. Criteria: LabCorp Variant Classification Summary - May 2015. Collection method: clinical testing. Allele origin: germline.
Comment: Variant summary: GAA c.521A>G (p.Glu174Gly) results in a non-conservative amino acid change in the encoded protein sequence. Algorithms developed to predict the effect of missense changes on protein structure and function all suggest that this variant is likely to be disruptive. The variant was absent in 240640 control chromosomes. The available data on variant occurrences in the general population are insufficient to allow any conclusion about variant significance. c.521A>G has been observed in an individual affected with Glycogen Storage Disease, Type 2 (Pompe Disease) (e.g. Yue_2023). These data do not allow any conclusion about variant significance. To our knowledge, no experimental evidence demonstrating an impact on protein function has been reported. The following publication has been ascertained in the context of this evaluation (PMID: 38186848). No submitters have cited clinical-significance assessments for this variant to ClinVar. Based on the evidence outlined above, the variant was classified as uncertain significance.

Literature cited by the submitters: PubMed 39227307 (cited by Genomenon, Inc); PubMed 38186848 (cited by Genomenon, Inc and Women's Health and Genetics/Laboratory Corporation of America, LabCorp).